The following is an entry in ClinVar:

NM_014283.5(SUCO):c.1654C>T (p.Pro552Ser)

Gene: SUCO (SUN domain containing ossification factor; plus strand). Cytogenetic location: 1q24.3.
Variant type: single nucleotide variant.
Coding change: c.1654C>T on transcript NM_014283.5 (MANE Select); coding-DNA position 1654, C replaced by T.
Protein change: p.Pro552Ser; replaces proline 552 with serine.
Molecular consequence: missense variant. On other transcripts: intron variant (1).
Genome position (GRCh38, 1-based): chr1:172,585,944, C>T. VCF-style: chr1-172585944-C-T. GRCh37 (hg19) VCF-style: chr1-172555084-C-T.
Other names: c.1543C>T, p.Pro515Ser (NM_001282750.2); c.2107C>T, p.Pro703Ser (NM_016227.4); c.-31-2816C>T (NM_001282751.2); short protein forms P552S, P703S, P515S.
Identifiers: ClinVar variation 2734193 (VCV002734193.3), dbSNP rs927544710, ClinGen allele CA32727092.
Genomic context (GRCh38, chr1:172,585,944, plus strand): 5'-ACTGCCACAGCTGCACCTAAAATGCCTGAATCAACTCCTGTTTCAACTCCTGTTCCATCT[C>T]CTGAGTAAGTTATAATGTGATATTAAATAGAATTTTGTTACAATGGAGAGATAAGTATAT-3'
Protein context (NP_055098.1, residues 542-562): STPVSTPVPS[Pro552Ser]EYVTTEVHTH

ClinVar aggregate classification (germline): Uncertain significance (1 of 4 stars; one submission).

Allele frequency attached by ClinVar (database versions not stated): TOPMed below 0.00001.
gnomAD v4.1: 2 of 1,597,574 alleles (0.00013%); no homozygotes.

Submission:

Labcorp Genetics (formerly Invitae), Labcorp
Classification: Uncertain significance. Last evaluated: 2023-11-10. Review status: criteria provided, single submitter. Criteria: Invitae Variant Classification Sherloc (09022015). Collection method: clinical testing. Allele origin: germline.
Comment: This sequence change replaces proline, which is neutral and non-polar, with serine, which is neutral and polar, at codon 552 of the SUCO protein (p.Pro552Ser). This variant is not present in population databases (gnomAD no frequency). This variant has not been reported in the literature in individuals affected with SUCO-related conditions. An algorithm developed to predict the effect of missense changes on protein structure and function (PolyPhen-2) suggests that this variant is likely to be tolerated. In summary, the available evidence is currently insufficient to determine the role of this variant in disease. Therefore, it has been classified as a Variant of Uncertain Significance.